The following is an entry in ClinVar:

NM_000443.4(ABCB4):c.3685A>T (p.Ile1229Phe)

Gene: ABCB4 (ATP binding cassette subfamily B member 4; minus strand). Cytogenetic location: 7q21.12.
Variant type: single nucleotide variant.
Coding change: c.3685A>T on transcript NM_000443.4 (MANE Select); coding-DNA position 3685, A replaced by T.
Protein change: p.Ile1229Phe; replaces isoleucine 1229 with phenylalanine.
Molecular consequence: missense variant.
Genome position (GRCh38, 1-based): chr7:87,402,251, T>A on the plus strand (A>T on the coding strand, the complement: ABCB4 is on the minus strand). VCF-style: chr7-87402251-T-A. GRCh37 (hg19) VCF-style: chr7-87031567-T-A.
Other names: c.3706A>T, p.Ile1236Phe (NM_018849.3); c.3544A>T, p.Ile1182Phe (NM_018850.3); short protein forms I1229F, I1182F, I1236F.
Identifiers: ClinVar variation 4993519 (VCV004993519.1).

ClinVar aggregate classification (germline): Uncertain significance (1 of 4 stars; one submission).

Conditions:
ABCB4-related disorder. Also called: ABCB4-related disorders; ABCB4-related condition.

Submission:

PreventionGenetics, part of Exact Sciences
Classification: Uncertain significance for ABCB4-related condition. Last evaluated: 2026-01-02. Review status: criteria provided, single submitter. Criteria: ACMG Guidelines, 2015. Collection method: clinical testing. Allele origin: germline.
Comment: The ABCB4 c.3685A>T variant is predicted to result in the amino acid substitution p.Ile1229Phe. To our knowledge, this variant has not been reported in the literature or in a large population database (gnomAD), indicating this variant is rare. At this time, the clinical significance of this variant is uncertain due to the absence of conclusive functional and genetic evidence.